The following is an entry in ClinVar:

NM_000528.4(MAN2B1):c.2596dup (p.Ala866fs)

Gene: MAN2B1 (mannosidase alpha class 2B member 1; minus strand). Cytogenetic location: 19p13.13.
Variant type: Duplication.
Coding change: c.2596dup on transcript NM_000528.4 (MANE Select); coding-DNA position 2596, one base duplicated (G; older notation c.2596dupG).
Protein change: p.Ala866fs; shifts the reading frame from alanine 866.
Molecular consequence: frameshift variant.
Genome position (GRCh38, 1-based): chr19:12,648,243, C duplicated on the plus strand (G on the coding strand, the reverse complement: MAN2B1 is on the minus strand); the first of 2 consecutive C bases (chr19:12,648,243-12,648,244); duplicating either gives the same sequence. VCF-style (leftmost placement, unchanged base first): chr19-12648242-G-GC. GRCh37 (hg19) VCF-style: chr19-12759056-G-GC.
Other names: c.2593dup, p.Ala865fs (NM_001173498.2); c.2599dup, p.Ala867fs (NM_001440570.1); short protein forms A865fs, A866fs, A867fs.
Identifiers: ClinVar variation 5012158 (VCV005012158.1).

ClinVar aggregate classification (germline): Pathogenic (1 of 4 stars; one submission).

Conditions:
Deficiency of alpha-mannosidase (MANSA). Also called: LYSOSOMAL ALPHA-D-MANNOSIDASE DEFICIENCY; Alpha-Mannosidosis; Mannosidosis, alpha-, types I and II. Identifiers: Orphanet 61, MedGen C0024748, MONDO:0009561, OMIM 248500.

Submission:

Myriad Genetics, Inc.
Classification: Pathogenic for Deficiency of alpha-mannosidase. Last evaluated: 2023-09-27. Review status: criteria provided, single submitter. Criteria: Myriad Autosomal Dominant, Autosomal Recessive and X-Linked Classification Criteria (2023). Collection method: clinical testing. Allele origin: unknown.
Comment: NM_000528.3(MAN2B1):c.2596dupG(A866Gfs*65) is expected to be pathogenic in the context of alpha-mannosidosis. This variant is predicted to lead to an abnormal or absent protein product due to the creation of a premature termination codon in MAN2B1, a gene where loss-of-function variants are known to be pathogenic. Please note: this variant was assessed in the context of healthy population screening.